The following is an entry in ClinVar:

NM_001130438.3(SPTAN1):c.-20T>C

Genes: SPTAN1 (spectrin alpha, non-erythrocytic 1; plus strand), LOC130002712 (ATAC-STARR-seq lymphoblastoid silent region 20345; plus strand). Cytogenetic location: 9q34.11.
Variant type: single nucleotide variant.
Coding change: c.-20T>C on transcript NM_001130438.3 (MANE Select); 20 bases upstream of the start codon, T replaced by C.
Molecular consequence: 5 prime UTR variant.
Genome position (GRCh38, 1-based): chr9:128,552,680, T>C. VCF-style: chr9-128552680-T-C. GRCh37 (hg19) VCF-style: chr9-131314959-T-C.
Other names: c.-20T>C (NM_003127.4, NM_001195532.2, NM_001363759.2 and 1 more transcripts).
Identifiers: ClinVar variation 383409 (VCV000383409.1), dbSNP rs1057521616, ClinGen allele CA16605500.

ClinVar aggregate classification (germline): Likely benign (1 of 4 stars; one submission).

Allele frequency attached by ClinVar (database versions not stated): gnomAD 0.00001; TOPMed below 0.00001.

Submission:

GeneDx
Classification: Likely benign. Last evaluated: 2016-01-28. Review status: criteria provided, single submitter. Criteria: GeneDx Variant Classification (06012015). Collection method: clinical testing. Allele origin: germline. Affected: yes.
Comment: This variant is considered likely benign or benign based on one or more of the following criteria: it is a conservative change, it occurs at a poorly conserved position in the protein, it is predicted to be benign by multiple in silico algorithms, and/or has population frequency not consistent with disease.